The following is an entry in ClinVar:

ClinVar aggregate classification (germline): Uncertain significance (1 of 4 stars; one submission).
ClinVar aggregate classification (oncogenicity): Uncertain significance (1 of 4 stars; one submission).

Conditions:
Neoplasm. Also called: Neoplasms; Neoplasm (disease); tumor. Identifiers: MedGen C0027651, MeSH D009369, MONDO:0005070, HP:0002664.

gnomAD v4.1: 16 of 1,614,004 alleles (0.00099%); highest among the groups gnomAD compares: Middle Eastern, 0.016%; no homozygotes.

Submissions (2):

GeneDx
Classification: Uncertain significance. Last evaluated: 2025-07-15. Review status: criteria provided, single submitter. Criteria: GeneDx Variant Classification Process June 2021. Collection method: clinical testing. Allele origin: germline. Affected: yes.
Comment: In silico analysis suggests that this missense variant does not alter protein structure/function; Has not been previously published as pathogenic or benign to our knowledge

Center for Genomic Medicine, Rigshospitalet, Copenhagen University Hospital
Classification: Uncertain significance for Neoplasm. Last evaluated: 2025-03-04. Review status: criteria provided, single submitter. Criteria: ClinGen/CGC/VICC Guidelines for Oncogenicity, 2022. Collection method: clinical testing. Allele origin: somatic. Affected: yes.

Literature cited by the submitters: PubMed 34272467 (cited by Center for Genomic Medicine, Rigshospitalet, Copenhagen University Hospital); PubMed 18552176 (cited by Center for Genomic Medicine, Rigshospitalet, Copenhagen University Hospital).

NM_000141.5(FGFR2):c.1165G>A (p.Ala389Thr)

Gene: FGFR2 (fibroblast growth factor receptor 2; minus strand). Cytogenetic location: 10q26.13.
Variant type: single nucleotide variant.
Coding change: c.1165G>A on transcript NM_000141.5 (MANE Select); coding-DNA position 1165, G replaced by A.
Protein change: p.Ala389Thr; replaces alanine 389 with threonine.
Molecular consequence: missense variant. On other transcripts: non-coding transcript variant (1), intron variant (1).
Genome position (GRCh38, 1-based): chr10:121,515,239, C>T on the plus strand (G>A on the coding strand, the complement: FGFR2 is on the minus strand). VCF-style: chr10-121515239-C-T. GRCh37 (hg19) VCF-style: chr10-123274753-C-T.
Other names: c.1168G>A, p.Ala390Thr (NM_001144913.1, NM_022970.4); c.829G>A, p.Ala277Thr (NM_001144914.1); c.898G>A, p.Ala300Thr (NM_001144915.2, NM_023029.3); c.820G>A, p.Ala274Thr (NM_001144916.2, NM_001144918.2); c.901G>A, p.Ala301Thr (NM_001144919.2); c.481G>A, p.Ala161Thr (NM_001320654.2); c.1165G>A, p.Ala389Thr (NM_001320658.2); c.939+4740G>A (NM_001144917.2); short protein forms A161T, A389T, A301T, A390T, A274T, A277T, A300T.
Identifiers: ClinVar variation 3257947 (VCV003257947.3).